The following is an entry in ClinVar:

NM_001363540.2(DOCK4):c.1843-8T>C

Gene: DOCK4 (dedicator of cytokinesis 4; minus strand). Cytogenetic location: 7q31.1.
Variant type: single nucleotide variant.
Coding change: c.1843-8T>C on transcript NM_001363540.2 (MANE Select); 8 bases into the intron before coding-DNA position 1843, T replaced by C.
Molecular consequence: intron variant.
Genome position (GRCh38, 1-based): chr7:111,872,360, A>G on the plus strand (T>C on the coding strand, the complement: DOCK4 is on the minus strand). VCF-style: chr7-111872360-A-G. GRCh37 (hg19) VCF-style: chr7-111512416-A-G.
Other names: c.1843-8T>C (NM_014705.4).
Identifiers: ClinVar variation 3905256 (VCV003905256.10).

ClinVar aggregate classification (germline): Likely benign (1 of 4 stars; one submission).

gnomAD v4.1: 113 of 1,542,700 alleles (0.0073%); highest among the groups gnomAD compares: Non-Finnish European, 0.008%; no homozygotes.

Submission:

CeGaT Center for Human Genetics Tuebingen
Classification: Likely benign. Last evaluated: 2025-06-01. Review status: criteria provided, single submitter. Criteria: CeGaT Center For Human Genetics Tuebingen Variant Classification Criteria Version 2. Collection method: clinical testing. Allele origin: germline. Affected: yes. Observed: 1 variant allele.
Comment: DOCK4: BP4